The following is an entry in ClinVar:

NM_001256447.2(BCAP31):c.366C>T (p.Leu122=)

Gene: BCAP31 (B cell receptor associated protein 31; minus strand). Cytogenetic location: Xq28.
Variant type: single nucleotide variant.
Coding change: c.366C>T on transcript NM_001256447.2 (MANE Select); coding-DNA position 366, C replaced by T.
Protein change: p.Leu122=; no amino-acid change (leucine 122 retained).
Molecular consequence: synonymous variant.
Genome position (GRCh38, 1-based): chrX:153,704,070, G>A on the plus strand (C>T on the coding strand, the complement: BCAP31 is on the minus strand). VCF-style: chrX-153704070-G-A. GRCh37 (hg19) VCF-style: chrX-152969525-G-A.
Other names: c.366C>T, p.Leu122= (NM_001139441.1, NM_005745.8); c.567C>T, p.Leu189= (NM_001139457.2).
Identifiers: ClinVar variation 2712820 (VCV002712820.3), dbSNP rs1394477215, ClinGen allele CA519200223.
Genomic context (GRCh38, chrX:153,704,070, plus strand): 5'-ACTCTCCGCCTGCTTTTTAAAGGCTTCATTGGAGGCCAGCAGCGTGGCCTGCTGCGAAAT[G>A]AGAGTCACCAGGCGTCTAAGCAGGCTGCAATTATTTACAAAAAGAAGGGAGAAGTGAGAA-3'
Protein context (NP_001243376.1, residues 112-132): LSFLLRRLVT[Leu122=]ISQQATLLAS

ClinVar aggregate classification (germline): Uncertain significance (1 of 4 stars; one submission).

Allele frequency attached by ClinVar (database versions not stated): gnomAD 0.00001; TOPMed 0.00001; gnomAD exomes 0.00002.
gnomAD v4.1: 27 of 1,209,609 alleles (0.0022%); highest among the groups gnomAD compares: East Asian, 0.0059%; no homozygotes.

Submission:

Labcorp Genetics (formerly Invitae), Labcorp
Classification: Uncertain significance. Last evaluated: 2022-12-21. Review status: criteria provided, single submitter. Criteria: Invitae Variant Classification Sherloc (09022015). Collection method: clinical testing. Allele origin: germline.
Comment: This sequence change affects codon 122 of the BCAP31 mRNA. It is a 'silent' change, meaning that it does not change the encoded amino acid sequence of the BCAP31 protein. This variant is not present in population databases (gnomAD no frequency). In summary, the available evidence is currently insufficient to determine the role of this variant in disease. Therefore, it has been classified as a Variant of Uncertain Significance. Algorithms developed to predict the effect of sequence changes on RNA splicing suggest that this variant may create or strengthen a splice site. This variant has not been reported in the literature in individuals affected with BCAP31-related conditions.